The following is an entry in ClinVar:

ClinVar aggregate classification (germline): Uncertain significance (1 of 4 stars; one submission).

Conditions:
Familial adenomatous polyposis 1 (FAP1). Also called: FAMILIAL ADENOMATOUS POLYPOSIS 1, ATTENUATED; POLYPOSIS, ADENOMATOUS INTESTINAL. Identifiers: MedGen C2713442, MONDO:0021056, OMIM 175100. Disease mechanism: loss of function.

gnomAD v4.1: 1 of 1,614,106 alleles (0.000062%); highest among the groups gnomAD compares: Non-Finnish European, 0.000085%; no homozygotes.

Submission:

Labcorp Genetics (formerly Invitae), Labcorp
Classification: Uncertain significance for Familial adenomatous polyposis 1. Last evaluated: 2023-02-28. Review status: criteria provided, single submitter. Criteria: Invitae Variant Classification Sherloc (09022015). Collection method: clinical testing. Allele origin: germline.
Comment: This variant has not been reported in the literature in individuals affected with APC-related conditions. In summary, the available evidence is currently insufficient to determine the role of this variant in disease. Therefore, it has been classified as a Variant of Uncertain Significance. Advanced modeling of protein sequence and biophysical properties (such as structural, functional, and spatial information, amino acid conservation, physicochemical variation, residue mobility, and thermodynamic stability) performed at Invitae indicates that this missense variant is not expected to disrupt APC protein function. This variant is not present in population databases (gnomAD no frequency). This sequence change replaces histidine, which is basic and polar, with glutamine, which is neutral and polar, at codon 768 of the APC protein (p.His768Gln).

NM_000038.6(APC):c.2304C>G (p.His768Gln)

Gene: APC (APC regulator of Wnt signaling pathway; plus strand). Cytogenetic location: 5q22.2.
Variant type: single nucleotide variant.
Coding change: c.2304C>G on transcript NM_000038.6 (MANE Select); coding-DNA position 2304, C replaced by G.
Protein change: p.His768Gln; replaces histidine 768 with glutamine.
Molecular consequence: missense variant. On other transcripts: non-coding transcript variant (2).
Genome position (GRCh38, 1-based): chr5:112,837,898, C>G. VCF-style: chr5-112837898-C-G. GRCh37 (hg19) VCF-style: chr5-112173595-C-G.
Other names: c.2304C>G, p.His768Gln (NM_001127510.3, NM_001354895.2, NM_001407450.1); c.2250C>G, p.His750Gln (NM_001127511.3); c.2358C>G, p.His786Gln (NM_001354896.2, NM_001407447.1, NM_001407448.1 and 1 more transcripts); c.2334C>G, p.His778Gln (NM_001354897.2); c.2229C>G, p.His743Gln (NM_001354898.2); c.2220C>G, p.His740Gln (NM_001354899.2); c.2181C>G, p.His727Gln (NM_001354900.2); c.2127C>G, p.His709Gln (NM_001354901.2, NM_001407453.1); and 11 more; short protein forms H750Q, H761Q, H768Q, H778Q, H796Q, H384Q, H642Q, H685Q.
Identifiers: ClinVar variation 2841460 (VCV002841460.3), dbSNP rs1580620349, ClinGen allele CA16026383.